The following is an entry in ClinVar:

ClinVar aggregate classification (germline): Uncertain significance (1 of 4 stars; one submission).

Conditions:
Early Myoclonic Encephalopathy. Identifiers: MedGen C0270855.

gnomAD v4.1: 15 of 1,613,670 alleles (0.00093%); highest among the groups gnomAD compares: South Asian, 0.0077%; 1 homozygote.

Submission:

Labcorp Genetics (formerly Invitae), Labcorp
Classification: Uncertain significance for Early Myoclonic Encephalopathy. Last evaluated: 2023-08-24. Review status: criteria provided, single submitter. Criteria: Invitae Variant Classification Sherloc (09022015). Collection method: clinical testing. Allele origin: germline.
Comment: In summary, the available evidence is currently insufficient to determine the role of this variant in disease. Therefore, it has been classified as a Variant of Uncertain Significance. Advanced modeling of protein sequence and biophysical properties (such as structural, functional, and spatial information, amino acid conservation, physicochemical variation, residue mobility, and thermodynamic stability) performed at Invitae indicates that this missense variant is not expected to disrupt JMJD1C protein function. This variant has not been reported in the literature in individuals affected with JMJD1C-related conditions. This variant is present in population databases (no rsID available, gnomAD 0.01%). This sequence change replaces serine, which is neutral and polar, with asparagine, which is neutral and polar, at codon 1460 of the JMJD1C protein (p.Ser1460Asn).

NM_032776.3(JMJD1C):c.4379G>A (p.Ser1460Asn)

Gene: JMJD1C (jumonji domain containing 1C; minus strand). Cytogenetic location: 10q21.3.
Variant type: single nucleotide variant.
Coding change: c.4379G>A on transcript NM_032776.3 (MANE Select); coding-DNA position 4379, G replaced by A.
Protein change: p.Ser1460Asn; replaces serine 1460 with asparagine.
Molecular consequence: missense variant. On other transcripts: non-coding transcript variant (1).
Genome position (GRCh38, 1-based): chr10:63,207,290, C>T on the plus strand (G>A on the coding strand, the complement: JMJD1C is on the minus strand). VCF-style: chr10-63207290-C-T. GRCh37 (hg19) VCF-style: chr10-64967050-C-T.
Other names: c.3833G>A, p.Ser1278Asn (NM_001282948.2, NM_001318154.2); c.3515G>A, p.Ser1172Asn (NM_001318153.2); c.4265G>A, p.Ser1422Asn (NM_001322252.2); c.3722G>A, p.Ser1241Asn (NM_001322254.2, NM_001322258.2); short protein forms S1241N, S1422N, S1460N, S1172N, S1278N.
Identifiers: ClinVar variation 2722619 (VCV002722619.3), dbSNP rs1337251415, ClinGen allele CA377037755.